The following is an entry in ClinVar:

ClinVar aggregate classification (germline): Uncertain significance (1 of 4 stars; one submission).

Conditions:
Hereditary cancer-predisposing syndrome. Also called: Neoplastic Syndromes, Hereditary; Tumor predisposition; Hereditary neoplastic syndrome; Hereditary Cancer Syndrome. Identifiers: Orphanet 140162, MedGen C0027672, MeSH D009386, MONDO:0015356.

Submission:

Ambry Genetics
Classification: Uncertain significance for Hereditary cancer-predisposing syndrome. Last evaluated: 2024-02-02. Review status: criteria provided, single submitter. Criteria: Ambry Variant Classification Scheme 2023. Collection method: clinical testing. Allele origin: germline.
Comment: The p.D597N variant (also known as c.1789G>A), located in coding exon 9 of the MEN1 gene, results from a G to A substitution at nucleotide position 1789. The aspartic acid at codon 597 is replaced by asparagine, an amino acid with highly similar properties. This amino acid position is conserved. In addition, the in silico prediction for this alteration is inconclusive. Based on the available evidence, the clinical significance of this alteration remains unclear.

NM_001370259.2(MEN1):c.1789G>A (p.Asp597Asn)

Gene: MEN1 (menin 1; minus strand). Cytogenetic location: 11q13.1.
Variant type: single nucleotide variant.
Coding change: c.1789G>A on transcript NM_001370259.2 (MANE Select); coding-DNA position 1789, G replaced by A.
Protein change: p.Asp597Asn; replaces aspartic acid 597 with asparagine.
Molecular consequence: missense variant. On other transcripts: non-coding transcript variant (4).
Genome position (GRCh38, 1-based): chr11:64,804,378, C>T on the plus strand (G>A on the coding strand, the complement: MEN1 is on the minus strand). VCF-style: chr11-64804378-C-T. GRCh37 (hg19) VCF-style: chr11-64571850-C-T.
Other names: c.1804G>A, p.Asp602Asn (NM_000244.4, NM_001407145.1, NM_130800.3 and 4 more transcripts); c.1915G>A, p.Asp639Asn (NM_001370251.2, NM_001407142.1, NM_001407143.1 and 1 more transcripts); c.1789G>A, p.Asp597Asn (NM_001370260.2, NM_001370261.2, NM_001407146.1 and 2 more transcripts); c.1684G>A, p.Asp562Asn (NM_001370262.2, NM_001370263.2, NM_001407148.1 and 1 more transcripts); c.1930G>A, p.Asp644Asn (NM_001407150.1); c.1810G>A, p.Asp604Asn (NM_001407151.1); c.1624G>A, p.Asp542Asn (NM_001407152.1); short protein forms D542N, D562N, D597N, D602N, D604N, D639N, D644N.
Identifiers: ClinVar variation 3229085 (VCV003229085.1), dbSNP rs2497099960, ClinGen allele CA381177277.